The following is an entry in ClinVar:

NM_000423.3(KRT2):c.940A>G (p.Lys314Glu)

Gene: KRT2 (keratin 2; minus strand). Cytogenetic location: 12q13.13.
Variant type: single nucleotide variant.
Coding change: c.940A>G on transcript NM_000423.3 (MANE Select); coding-DNA position 940, A replaced by G.
Protein change: p.Lys314Glu; replaces lysine 314 with glutamic acid.
Molecular consequence: missense variant.
Genome position (GRCh38, 1-based): chr12:52,649,024, T>C on the plus strand (A>G on the coding strand, the complement: KRT2 is on the minus strand). VCF-style: chr12-52649024-T-C. GRCh37 (hg19) VCF-style: chr12-53042808-T-C.
Other names: short protein forms K314E.
Identifiers: ClinVar variation 309611 (VCV000309611.5), dbSNP rs139316403, ClinGen allele CA6585670.

ClinVar aggregate classification (germline): Benign (1 of 4 stars; one submission).

Conditions:
Ichthyosis bullosa of Siemens (IBS). Also called: Superficial epidermolytic ichthyosis. Identifiers: Orphanet 455, MedGen C0432306, MONDO:0007813, OMIM 146800.

Allele frequency attached by ClinVar (database versions not stated): gnomAD 0.00008 and 0.00013; TOPMed 0.00015; ExAC 0.00021; gnomAD exomes 0.00023; 1000 Genomes Project 30x 0.00062; 1000 Genomes Project 0.00080.
gnomAD v4.1: 150 of 1,610,278 alleles (0.0093%); highest among the groups gnomAD compares: East Asian, 0.3%; no homozygotes.

Submission:

Illumina Laboratory Services, Illumina
Classification: Benign for Ichthyosis bullosa of Siemens. Last evaluated: 2018-01-12. Review status: criteria provided, single submitter. Criteria: ICSL Variant Classification Criteria 13 December 2019. Collection method: clinical testing. Allele origin: germline.
Comment: This variant was observed in the ICSL laboratory as part of a predisposition screen in an ostensibly healthy population. It had not been previously curated by ICSL or reported in the Human Gene Mutation Database (HGMD: prior to June 1st, 2018), and was therefore a candidate for classification through an automated scoring system. Utilizing variant allele frequency, disease prevalence and penetrance estimates, and inheritance mode, an automated score was calculated to assess if this variant is too frequent to cause the disease. Based on the score and internal cut-off values, a variant classified as benign is not then subjected to further curation. The score for this variant resulted in a classification of benign for this disease.